The following is an entry in ClinVar:

NM_004793.4(LONP1):c.1438C>G (p.Leu480Val)

Gene: LONP1 (lon peptidase 1, mitochondrial; minus strand). Cytogenetic location: 19p13.3.
Variant type: single nucleotide variant.
Coding change: c.1438C>G on transcript NM_004793.4 (MANE Select); coding-DNA position 1438, C replaced by G.
Protein change: p.Leu480Val; replaces leucine 480 with valine.
Molecular consequence: missense variant. On other transcripts: non-coding transcript variant (1).
Genome position (GRCh38, 1-based): chr19:5,700,857, G>C on the plus strand (C>G on the coding strand, the complement: LONP1 is on the minus strand). VCF-style: chr19-5700857-G-C. GRCh37 (hg19) VCF-style: chr19-5700868-G-C.
Other names: c.1438C>G (NM_004793.2); c.1246C>G, p.Leu416Val (NM_001276479.2); c.850C>G, p.Leu284Val (NM_001276480.1); short protein forms L284V, L416V, L480V.
Identifiers: ClinVar variation 2968866 (VCV002968866.5), dbSNP rs1392705083, ClinGen allele CA403531460.

ClinVar aggregate classification (germline): Uncertain significance. Review status: criteria provided, multiple submitters, no conflicts (2 of 4 stars). 3 submissions from 3 submitters: Uncertain significance (3). Last evaluated 2024-09-21.

Conditions:
CODAS syndrome. Also called: CEREBRAL, OCULAR, DENTAL, AURICULAR, AND SKELETAL ANOMALIES SYNDROME. Identifiers: Orphanet 1458, MedGen C1838180, MONDO:0010879, OMIM 600373.
Inborn genetic diseases. Identifiers: MedGen C0950123, MeSH D030342.

Allele frequency attached by ClinVar (database versions not stated): gnomAD exomes 0.00001; TOPMed 0.00002; gnomAD 0.00003.
gnomAD v4.1: 8 of 1,614,082 alleles (0.0005%); highest among the groups gnomAD compares: Non-Finnish European, 0.00068%; no homozygotes.

Submissions (3):

Labcorp Genetics (formerly Invitae), Labcorp
Classification: Uncertain significance. Last evaluated: 2024-09-21. Review status: criteria provided, single submitter. Criteria: Invitae Variant Classification Sherloc (09022015). Collection method: clinical testing. Allele origin: germline.
Comment: This sequence change replaces leucine, which is neutral and non-polar, with valine, which is neutral and non-polar, at codon 480 of the LONP1 protein (p.Leu480Val). This variant is present in population databases (no rsID available, gnomAD 0.002%). This variant has not been reported in the literature in individuals affected with LONP1-related conditions. Invitae Evidence Modeling of protein sequence and biophysical properties (such as structural, functional, and spatial information, amino acid conservation, physicochemical variation, residue mobility, and thermodynamic stability) indicates that this missense variant is not expected to disrupt LONP1 protein function with a negative predictive value of 80%. In summary, the available evidence is currently insufficient to determine the role of this variant in disease. Therefore, it has been classified as a Variant of Uncertain Significance.

ARUP Laboratories, Molecular Genetics and Genomics, ARUP Laboratories
Classification: Uncertain significance for CODAS syndrome. Last evaluated: 2023-12-21. Review status: criteria provided, single submitter. Criteria: ARUP Molecular Germline Variant Investigation Process 2024. Collection method: clinical testing. Allele origin: germline.

Ambry Genetics
Classification: Uncertain significance for Inborn genetic diseases. Last evaluated: 2022-11-18. Review status: criteria provided, single submitter. Criteria: Ambry Variant Classification Scheme 2023. Collection method: clinical testing. Allele origin: germline.